The following is an entry in ClinVar:

NM_000322.5(PRPH2):c.835A>C (p.Ile279Leu)

Gene: PRPH2 (peripherin 2; minus strand). Cytogenetic location: 6p21.1.
Variant type: single nucleotide variant.
Coding change: c.835A>C on transcript NM_000322.5 (MANE Select); coding-DNA position 835, A replaced by C.
Protein change: p.Ile279Leu; replaces isoleucine 279 with leucine.
Molecular consequence: missense variant.
Genome position (GRCh38, 1-based): chr6:42,698,501, T>G on the plus strand (A>C on the coding strand, the complement: PRPH2 is on the minus strand). VCF-style: chr6-42698501-T-G. GRCh37 (hg19) VCF-style: chr6-42666239-T-G.
Other names: short protein forms I279L.
Identifiers: ClinVar variation 1375212 (VCV001375212.6), dbSNP rs773951621, ClinGen allele CA364133567.
Genomic context (GRCh38, chr6:42,698,501, plus strand): 5'-ATTCCTCGGGGTTGGACACACCATCCAGCGACGTCTGTAGGTAGCGCAGCCCAATTGTAA[T>G]GGTCACCTGGTGGTGGGAGAGGAGATTTAGAGGCAATCTGGGAGAATCGCTGGGAGCTGG-3'
Protein context (NP_000313.2, residues 269-289): TLLIWLFEVT[Ile279Leu]TIGLRYLQTS

ClinVar aggregate classification (germline): Uncertain significance (1 of 4 stars; one submission).

Conditions:
PRPH2-related disorder. Also called: PRPH2-related disorders; PRPH2-related condition. Identifiers: MedGen CN239395.

Allele frequency attached by ClinVar (database versions not stated): gnomAD 0.00001.
gnomAD v4.1: 1 of 1,613,984 alleles (0.000062%); highest among the groups gnomAD compares: African/African-American, 0.0013%; no homozygotes.

Submission:

Labcorp Genetics (formerly Invitae), Labcorp
Classification: Uncertain significance for PRPH2-related disorder. Last evaluated: 2025-01-06. Review status: criteria provided, single submitter. Criteria: Invitae Variant Classification Sherloc (09022015). Collection method: clinical testing. Allele origin: germline.
Comment: This sequence change replaces isoleucine, which is neutral and non-polar, with leucine, which is neutral and non-polar, at codon 279 of the PRPH2 protein (p.Ile279Leu). This variant is not present in population databases (gnomAD no frequency). This missense change has been observed in individual(s) with clinical features of PRPH2-related conditions (internal data). ClinVar contains an entry for this variant (Variation ID: 1375212). Invitae Evidence Modeling of protein sequence and biophysical properties (such as structural, functional, and spatial information, amino acid conservation, physicochemical variation, residue mobility, and thermodynamic stability) indicates that this missense variant is not expected to disrupt PRPH2 protein function with a negative predictive value of 95%. In summary, the available evidence is currently insufficient to determine the role of this variant in disease. Therefore, it has been classified as a Variant of Uncertain Significance.